The following is an entry in ClinVar:

ClinVar aggregate classification (germline): Likely pathogenic (1 of 4 stars; one submission).

Conditions:
DeSanto-Shinawi syndrome due to WAC point mutation (DESSH). Also called: WAC-Related Intellectual Disability; DEVELOPMENTAL DELAY, BEHAVIORAL ABNORMALITIES, FACIAL DYSMORPHISM, AND OCULAR ABNORMALITIES; Facial dysmorphism-developmental delay-behavioral abnormalities syndrome due to WAC point mutation. Identifiers: Orphanet 284169, Orphanet 466950, MedGen C5681129, MONDO:0014741, OMIM 616708.

Submission:

3billion
Classification: Likely pathogenic for DeSanto-Shinawi syndrome due to WAC point mutation. Last evaluated: 2022-03-22. Review status: criteria provided, single submitter. Criteria: ACMG Guidelines, 2015. Collection method: clinical testing. Allele origin: germline. Affected: yes. Observed: 1 heterozygote.
Comment: Frameshift: predicted to result in a loss or disruption of normal protein function through nonsense-mediated decay (NMD) or protein truncation. Multiple pathogenic variants are reported downstream of the variant.It is not observed in the gnomAD v2.1.1 dataset. Therefore, this variant is classified as likely pathogenic according to the recommendation of ACMG/AMP guideline.

NM_016628.5(WAC):c.438del (p.Tyr147fs)

Gene: WAC (WW domain containing adaptor with coiled-coil; plus strand). Cytogenetic location: 10p12.1.
Variant type: Deletion.
Coding change: c.438del on transcript NM_016628.5 (MANE Select); coding-DNA position 438, one base deleted (C; older notation c.438delC).
Protein change: p.Tyr147fs; shifts the reading frame from tyrosine 147.
Molecular consequence: frameshift variant.
Genome position (GRCh38, 1-based): chr10:28,589,792, C deleted. VCF-style (leftmost placement, unchanged base first): chr10-28589791-AC-A. GRCh37 (hg19) VCF-style: chr10-28878720-AC-A.
Other names: c.303del, p.Tyr102fs (NM_100264.3); c.438del, p.Tyr147fs (NM_100486.4); short protein forms Y102fs, Y147fs.
Identifiers: ClinVar variation 1526166 (VCV001526166.1), dbSNP rs2132669171, ClinGen allele CA2573145108.